The following is an entry in ClinVar:

ClinVar aggregate classification (germline): Uncertain significance (1 of 4 stars; one submission).

gnomAD v4.1: 5 of 1,612,310 alleles (0.00031%); highest among the groups gnomAD compares: African/African-American, 0.0013%; no homozygotes.

Submission:

Women's Health and Genetics/Laboratory Corporation of America, LabCorp
Classification: Uncertain significance. Last evaluated: 2025-05-13. Review status: criteria provided, single submitter. Criteria: LabCorp Variant Classification Summary - May 2015. Collection method: clinical testing. Allele origin: germline.
Comment: Variant summary: FGF23 c.632C>T (p.Pro211Leu) results in a non-conservative amino acid change in the encoded protein sequence. Algorithms developed to predict the effect of missense changes on protein structure and function are either unavailable or do not agree on the potential impact of this missense change. The variant allele was found at a frequency of 4e-06 in 248572 control chromosomes. The available data on variant occurrences in the general population are insufficient to allow any conclusion about variant significance. To our knowledge, no occurrence of c.632C>T in individuals affected with Autosomal Dominant Hypophosphatemic Rickets and no experimental evidence demonstrating its impact on protein function have been reported. No submitters have cited clinical-significance assessments for this variant to ClinVar. Based on the evidence outlined above, the variant was classified as uncertain significance.

NM_020638.3(FGF23):c.632C>T (p.Pro211Leu)

Gene: FGF23 (fibroblast growth factor 23; minus strand). Cytogenetic location: 12p13.32.
Variant type: single nucleotide variant.
Coding change: c.632C>T on transcript NM_020638.3 (MANE Select); coding-DNA position 632, C replaced by T.
Protein change: p.Pro211Leu; replaces proline 211 with leucine.
Molecular consequence: missense variant.
Genome position (GRCh38, 1-based): chr12:4,370,467, G>A on the plus strand (C>T on the coding strand, the complement: FGF23 is on the minus strand). VCF-style: chr12-4370467-G-A. GRCh37 (hg19) VCF-style: chr12-4479633-G-A.
Other names: short protein forms P211L.
Identifiers: ClinVar variation 3902256 (VCV003902256.1).